The following is an entry in ClinVar:

ClinVar aggregate classification (germline): Pathogenic/Likely pathogenic. Review status: criteria provided, multiple submitters, no conflicts (2 of 4 stars). 2 submissions from 2 submitters: Pathogenic (1); Likely pathogenic (1). Last evaluated 2026-01-28.

Conditions:
CFTR-related disorder (CFTR-RD). Also called: CFTR-related condition; CFTR-related disorders. Identifiers: MedGen C5924204, MONDO:7770004.
Cystic fibrosis (CF). Also called: MUCOVISCIDOSIS. Identifiers: Orphanet 586, MedGen C0010674, MONDO:0009061, OMIM 219700. Disease mechanism: loss of function.

Submissions (2):

Natera, Inc.
Classification: Likely pathogenic for CFTR-related disorders. Last evaluated: 2026-01-28. Review status: criteria provided, single submitter. Criteria: Natera Variant Classification Schema (03/2026). Collection method: clinical testing. Allele origin: germline.
Comment: The c.1807delG variant in CFTR is a frameshift variant predicted to shift the reading frame beginning at codon 603 and leads to a stop codon 8 codons downstream. This variant is expected to result in nonsense mediated decay, truncation, or a dysfunctional protein product. This variant is rare in the general population with a frequency below the threshold expected for the associated phenotype(s). Given the available evidence, this variant is classified as Likely Pathogenic.

Ambry Genetics
Classification: Pathogenic for Cystic fibrosis. Last evaluated: 2017-02-23. Review status: criteria provided, single submitter. Criteria: Ambry Variant Classification Scheme 2023. Collection method: clinical testing. Allele origin: germline.
Comment: The c.1807delG pathogenic mutation, located in coding exon 14 of the CFTR gene, results from a deletion of one nucleotide at nucleotide position 1807, causing a translational frameshift with a predicted alternate stop codon (p.V603Sfs*8). This mutation was observed twice in a cohort of 140 nonwhite cystic fibrosis (CF) individuals; however, genotype and phenotype details were not provided (Schrijver I et al. J Mol Diagn, 2016 Jan;18:39-50). In addition to the clinical data presented in the literature, this alteration is expected to result in loss of function by premature protein truncation or nonsense-mediated mRNA decay. As such, this alteration is interpreted as a disease-causing mutation.

Literature cited by the submitters: PubMed 26708955 (cited by Ambry Genetics).

NM_000492.4(CFTR):c.1807del (p.Val603fs)

Gene: CFTR (CF transmembrane conductance regulator; plus strand). Cytogenetic location: 7q31.2.
Variant type: Deletion.
Coding change: c.1807del on transcript NM_000492.4 (MANE Select); coding-DNA position 1807, one base deleted (G; older notation c.1807delG).
Protein change: p.Val603fs; shifts the reading frame from valine 603.
Molecular consequence: frameshift variant.
Genome position (GRCh38, 1-based): chr7:117,591,974, G deleted; the last of 2 consecutive G bases (chr7:117,591,973-117,591,974); deleting either gives the same sequence. VCF-style (leftmost placement, unchanged base first): chr7-117591972-TG-T. GRCh37 (hg19) VCF-style: chr7-117232026-TG-T.
Other names: short protein forms V603fs.
Identifiers: ClinVar variation 1780501 (VCV001780501.3), dbSNP rs2485109117, ClinGen allele CA2580076498.